The following is an entry in ClinVar:

NM_033517.1:c.4775_4783delCGGGCGCGG

Gene: SHANK3 (SH3 and multiple ankyrin repeat domains 3; plus strand).
Variant type: Deletion.
Other names: c.4775_4783delCGGGCGCGG (NM_033517.1).
Identifiers: ClinVar variation 4164533 (VCV004164533.1).

ClinVar aggregate classification (germline): Uncertain significance (1 of 4 stars; one submission).

Conditions:
Inborn genetic diseases. Identifiers: MedGen C0950123, MeSH D030342.

Submission:

Ambry Genetics
Classification: Uncertain significance for Inborn genetic diseases. Last evaluated: 2025-08-27. Review status: criteria provided, single submitter. Criteria: Ambry Variant Classification Scheme 2023. Collection method: clinical testing. Allele origin: germline.
Comment: The c.4775_4783delCGGGCGCGG (p.A1592_A1594del) alteration, located in coding exon 22 of the SHANK3 gene, results from an in-frame deletion of 9 nucleotides at positions c.4775 to c.4783. This results in the deletion of 3 amino acids between codons p.1592 and p.1594. This variant was not reported in population-based cohorts in the Genome Aggregation Database (gnomAD). These amino acid positions are poorly conserved in available vertebrate species. Based on insufficient or conflicting evidence, the clinical significance of this alteration remains unclear.